The following is an entry in ClinVar:

ClinVar aggregate classification (germline): Uncertain significance (0 of 4 stars; one submission).

Conditions:
ZEB2-related disorder. Also called: ZEB2-related condition.

Allele frequency attached by ClinVar (database versions not stated): TOPMed below 0.00001; gnomAD 0.00001.
gnomAD v4.1: 2 of 1,613,924 alleles (0.00012%); highest among the groups gnomAD compares: Non-Finnish European, 0.000085%; no homozygotes.

Submission:

PreventionGenetics, part of Exact Sciences
Classification: Uncertain significance for ZEB2-related condition. Last evaluated: 2023-11-20. Review status: no assertion criteria provided. Collection method: clinical testing. Allele origin: germline.
Comment: The ZEB2 c.377T>C variant is predicted to result in the amino acid substitution p.Ile126Thr. To our knowledge, this variant has not been reported in the literature. This variant is reported in 0.00088% of alleles in individuals of European (Non-Finnish) descent in gnomAD. At this time, the clinical significance of this variant is uncertain due to the absence of conclusive functional and genetic evidence.

NM_014795.4(ZEB2):c.377T>C (p.Ile126Thr)

Gene: ZEB2 (zinc finger E-box binding homeobox 2; minus strand). Cytogenetic location: 2q22.3.
Variant type: single nucleotide variant.
Coding change: c.377T>C on transcript NM_014795.4 (MANE Select); coding-DNA position 377, T replaced by C.
Protein change: p.Ile126Thr; replaces isoleucine 126 with threonine.
Molecular consequence: missense variant. On other transcripts: intron variant (1).
Genome position (GRCh38, 1-based): chr2:144,424,822, A>G on the plus strand (T>C on the coding strand, the complement: ZEB2 is on the minus strand). VCF-style: chr2-144424822-A-G. GRCh37 (hg19) VCF-style: chr2-145182389-A-G.
Other names: c.331+4947T>C (NM_001171653.2); short protein forms I126T.
Identifiers: ClinVar variation 3033755 (VCV003033755.2), dbSNP rs1172423244, ClinGen allele CA348717372.
Genomic context (GRCh38, chr2:144,424,822, plus strand): 5'-CAAATGTGATCTGAGCGTGGCCAACATAACTCACCTGTACCATTGTTAATTGCGGTCTGG[A>G]TCGTGGCTTCTGGCCCCATAGTGTCATAGTCTTCCTTCATTTCTTCTGTGGGGGAAAATT-3'
Protein context (NP_055610.1, residues 116-136): DYDTMGPEAT[Ile126Thr]QTAINNGTVK